The following is an entry in ClinVar:

ClinVar aggregate classification (germline): Uncertain significance (1 of 4 stars; one submission).

Allele frequency attached by ClinVar (database versions not stated): TOPMed 0.00001.

Submission:

Labcorp Genetics (formerly Invitae), Labcorp
Classification: Uncertain significance. Last evaluated: 2021-06-21. Review status: criteria provided, single submitter. Criteria: Invitae Variant Classification Sherloc (09022015). Collection method: clinical testing. Allele origin: germline.
Comment: This sequence change replaces isoleucine with methionine at codon 1107 of the UNC80 protein (p.Ile1107Met). The isoleucine residue is weakly conserved and there is a small physicochemical difference between isoleucine and methionine. This variant is not present in population databases (ExAC no frequency). This variant has not been reported in the literature in individuals with UNC80-related conditions. Algorithms developed to predict the effect of missense changes on protein structure and function are either unavailable or do not agree on the potential impact of this missense change (SIFT: "Not Available"; PolyPhen-2: "Probably Damaging"; Align-GVGD: "Not Available"). In summary, the available evidence is currently insufficient to determine the role of this variant in disease. Therefore, it has been classified as a Variant of Uncertain Significance.

NM_001371986.1(UNC80):c.3315T>G (p.Ile1105Met)

Gene: UNC80 (unc-80 subunit of NALCN channel complex; plus strand). Cytogenetic location: 2q34.
Variant type: single nucleotide variant.
Coding change: c.3315T>G on transcript NM_001371986.1 (MANE Select); coding-DNA position 3315, T replaced by G.
Protein change: p.Ile1105Met; replaces isoleucine 1105 with methionine.
Molecular consequence: missense variant.
Genome position (GRCh38, 1-based): chr2:209,840,606, T>G. VCF-style: chr2-209840606-T-G. GRCh37 (hg19) VCF-style: chr2-210705330-T-G.
Other names: c.3321T>G, p.Ile1107Met (NM_032504.2); c.3306T>G, p.Ile1102Met (NM_182587.4); short protein forms I1107M, I1105M, I1102M.
Identifiers: ClinVar variation 1472712 (VCV001472712.8), dbSNP rs1470998233, ClinGen allele CA350731161.